The following is an entry in ClinVar:

ClinVar aggregate classification (germline): Uncertain significance. Review status: criteria provided, multiple submitters, no conflicts (2 of 4 stars). 2 submissions from 2 submitters: Uncertain significance (2). Last evaluated 2025-06-12.

Conditions:
Autosomal recessive limb-girdle muscular dystrophy type 2Q (LGMDR17). Also called: MUSCULAR DYSTROPHY, LIMB-GIRDLE, AUTOSOMAL RECESSIVE 17. Identifiers: Orphanet 254361, MedGen C3150989, MONDO:0013390, OMIM 613723.
Epidermolysis bullosa simplex 5B, with muscular dystrophy (EBS5B). Also called: Epidermolysis bullosa simplex with muscular dystrophy; EPIDERMOLYSIS BULLOSA SIMPLEX AND LIMB-GIRDLE MUSCULAR DYSTROPHY. Identifiers: Orphanet 257, MedGen C2931072, MONDO:0009181, OMIM 226670.
Epidermolysis bullosa simplex, Ogna type (EBS5A). Also called: Pidermolysis bullosa simplex 5A, Ogna type; EPIDERMOLYSIS BULLOSA SIMPLEX 5A, OGNA TYPE. Identifiers: Orphanet 79401, MedGen C0432317, MONDO:0007555, OMIM 131950.
Epidermolysis bullosa simplex 5C, with pyloric atresia (EBS5C). Also called: PLEC1-Related Epidermolysis Bullosa with Pyloric Atresia; Epidermolysis bullosa simplex with pyloric atresia; PLEC-Related Epidermolysis Bullosa with Pyloric Atresia. Identifiers: Orphanet 158684, MedGen C2677349, MONDO:0012807, OMIM 612138.
Epidermolysis bullosa simplex with nail dystrophy (EBS5D). Identifiers: MedGen C4225309, MONDO:0014661, OMIM 616487.

Allele frequency attached by ClinVar (database versions not stated): ExAC below 0.00001; TOPMed below 0.00001; gnomAD 0.00001 and 0.00002; 1000 Genomes Project 0.00020; 1000 Genomes Project 30x 0.00031.

Submissions (2):

Revvity Omics, Revvity
Classification: Uncertain significance. Last evaluated: 2025-06-12. Review status: criteria provided, single submitter. Criteria: ACMG Guidelines, 2015. Collection method: clinical testing. Allele origin: germline.

Labcorp Genetics (formerly Invitae), Labcorp
Classification: Uncertain significance for Autosomal recessive limb-girdle muscular dystrophy type 2Q; Epidermolysis bullosa simplex, Ogna type; Epidermolysis bullosa simplex with nail dystrophy; Epidermolysis bullosa simplex 5C, with pyloric atresia; Epidermolysis bullosa simplex 5B, with muscular dystrophy. Last evaluated: 2025-06-06. Review status: criteria provided, single submitter. Criteria: Invitae Variant Classification Sherloc (09022015). Collection method: clinical testing. Allele origin: germline.
Comment: This sequence change replaces proline, which is neutral and non-polar, with serine, which is neutral and polar, at codon 4569 of the PLEC protein (p.Pro4569Ser). This variant is not present in population databases (gnomAD no frequency). This variant has not been reported in the literature in individuals affected with PLEC-related conditions. ClinVar contains an entry for this variant (Variation ID: 854240). Experimental studies and prediction algorithms are not available or were not evaluated, and the functional significance of this variant is currently unknown. In summary, the available evidence is currently insufficient to determine the role of this variant in disease. Therefore, it has been classified as a Variant of Uncertain Significance.

NM_201384.3(PLEC):c.13624C>T (p.Pro4542Ser)

Gene: PLEC (plectin; minus strand). Cytogenetic location: 8q24.3.
Variant type: single nucleotide variant.
Coding change: c.13624C>T on transcript NM_201384.3 (MANE Select); coding-DNA position 13624, C replaced by T.
Protein change: p.Pro4542Ser; replaces proline 4542 with serine.
Molecular consequence: missense variant.
Genome position (GRCh38, 1-based): chr8:143,916,197, G>A on the plus strand (C>T on the coding strand, the complement: PLEC is on the minus strand). VCF-style: chr8-143916197-G-A. GRCh37 (hg19) VCF-style: chr8-144990365-G-A.
Other names: c.13705C>T, p.Pro4569Ser (NM_000445.5); c.13582C>T, p.Pro4528Ser (NM_201378.4); c.13558C>T, p.Pro4520Ser (NM_201379.3); c.14035C>T, p.Pro4679Ser (NM_201380.4); c.13528C>T, p.Pro4510Ser (NM_201381.3); c.13624C>T, p.Pro4542Ser (NM_201382.4); c.13636C>T, p.Pro4546Ser (NM_201383.3); short protein forms P4510S, P4520S, P4528S, P4542S, P4546S, P4569S, P4679S.
Identifiers: ClinVar variation 854240 (VCV000854240.11), dbSNP rs556098263, ClinGen allele CA4923744.